The following is an entry in ClinVar:

ClinVar aggregate classification (germline): Likely benign (1 of 4 stars; one submission).

Conditions:
Hereditary spastic paraplegia 7 (SPG7). Also called: SPG7-related neurologic disorder; Spastic paraplegia 7; Hereditary spastic paraplegia Paraplegin type; Autosomal recessive spastic paraplegia type 7; SPASTIC PARAPLEGIA 7, AUTOSOMAL RECESSIVE, WITH OR WITHOUT CEREBELLAR ATAXIA. Identifiers: Orphanet 99013, MedGen C1846564, MONDO:0011803, OMIM 607259.

Allele frequency attached by ClinVar (database versions not stated): gnomAD exomes 0.00019; 1000 Genomes Project 0.00799; TOPMed 0.00828; gnomAD 0.00695 and 0.00742; 1000 Genomes Project 30x 0.00796.
gnomAD v4.1: 1,049 of 168,530 alleles (0.62%); highest among the groups gnomAD compares: African/African-American, 2.4%; 12 homozygotes.

Submission:

Illumina Laboratory Services, Illumina
Classification: Likely benign for Hereditary spastic paraplegia 7. Last evaluated: 2018-01-12. Review status: criteria provided, single submitter. Criteria: ICSL Variant Classification Criteria 13 December 2019. Collection method: clinical testing. Allele origin: germline.
Comment: This variant was observed in the ICSL laboratory as part of a predisposition screen in an ostensibly healthy population. It had not been previously curated by ICSL or reported in the Human Gene Mutation Database (HGMD: prior to June 1st, 2018), and was therefore a candidate for classification through an automated scoring system. Utilizing variant allele frequency, disease prevalence and penetrance estimates, and inheritance mode, an automated score was calculated to assess if this variant is too frequent to cause the disease. Based on the score and internal cut-off values, a variant classified as likely benign is not then subjected to further curation. The score for this variant resulted in a classification of likely benign for this disease.

NM_003119.4(SPG7):c.*549A>C

Gene: SPG7 (SPG7 matrix AAA peptidase subunit, paraplegin; plus strand). Cytogenetic location: 16q24.3.
Variant type: single nucleotide variant.
Coding change: c.*549A>C on transcript NM_003119.4 (MANE Select); 549 bases downstream of the stop codon, A replaced by C.
Molecular consequence: 3 prime UTR variant.
Genome position (GRCh38, 1-based): chr16:89,557,642, A>C. VCF-style: chr16-89557642-A-C. GRCh37 (hg19) VCF-style: chr16-89624050-A-C.
Other names: c.*715A>C (NM_001363850.1).
Identifiers: ClinVar variation 888441 (VCV000888441.4), dbSNP rs114970695, ClinGen allele CA286510422.